The following is an entry in ClinVar:

NM_001379500.1(COL18A1):c.107-12092G>C

Gene: COL18A1 (collagen type XVIII alpha 1 chain; plus strand). Cytogenetic location: 21q22.3.
Variant type: single nucleotide variant.
Coding change: c.107-12092G>C on transcript NM_001379500.1 (MANE Select); 12092 bases into the intron before coding-DNA position 107, G replaced by C.
Molecular consequence: intron variant. On other transcripts: missense variant (2).
Genome position (GRCh38, 1-based): chr21:45,456,150, G>C. VCF-style: chr21-45456150-G-C. GRCh37 (hg19) VCF-style: chr21-46876064-G-C.
Other names: c.620G>C, p.Gly207Ala (NM_030582.4, NM_130444.3); c.620G>C (NM_030582.3); short protein forms G207A.
Identifiers: ClinVar variation 1621234 (VCV001621234.9), dbSNP rs547769296, ClinGen allele CA10065532.

ClinVar aggregate classification (germline): Conflicting classifications of pathogenicity. Review status: criteria provided, conflicting classifications (1 of 4 stars). 2 submissions from 2 submitters: Uncertain significance (1); Likely benign (1). Last evaluated 2026-01-05.

Conditions:
COL18A1-related disorder. Also called: COL18A1-related disorders; COL18A1-related condition.

Allele frequency attached by ClinVar (database versions not stated): gnomAD exomes below 0.00001; ExAC 0.00001; gnomAD 0.00003; TOPMed 0.00003; 1000 Genomes Project 0.00020; 1000 Genomes Project 30x 0.00031.
gnomAD v4.1: 6 of 1,583,928 alleles (0.00038%); highest among the groups gnomAD compares: African/African-American, 0.0081%; no homozygotes.

Submissions (2):

PreventionGenetics, part of Exact Sciences
Classification: Uncertain significance for COL18A1-related condition. Last evaluated: 2026-01-05. Review status: criteria provided, single submitter. Criteria: ACMG Guidelines, 2015. Collection method: clinical testing. Allele origin: germline.
Comment: The COL18A1 c.620G>C variant is predicted to result in the amino acid substitution p.Gly207Ala. To our knowledge, this variant has not been reported in the literature. This variant is reported in 0.0084% of alleles in individuals of African descent in gnomAD. At this time, the clinical significance of this variant is uncertain due to the absence of conclusive functional and genetic evidence.

Labcorp Genetics (formerly Invitae), Labcorp
Classification: Likely benign. Last evaluated: 2025-03-19. Review status: criteria provided, single submitter. Criteria: Invitae Variant Classification Sherloc (09022015). Collection method: clinical testing. Allele origin: germline.